The following is an entry in ClinVar:

ClinVar aggregate classification (germline): Likely pathogenic (1 of 4 stars; one submission).

Conditions:
Hyperphosphatasia with impaired intellectual development syndrome 3. Also called: Hyperphosphatasia with intellectual disability syndrome 3; GLYCOSYLPHOSPHATIDYLINOSITOL BIOSYNTHESIS DEFECT 8. Identifiers: Orphanet 247262, MedGen C3280153, MONDO:0013628, OMIM 614207.

Submission:

Institute of Human Genetics, University of Leipzig Medical Center
Classification: Likely pathogenic for Hyperphosphatasia with impaired intellectual development syndrome 3. Last evaluated: 2024-01-23. Review status: criteria provided, single submitter. Criteria: ACMG Guidelines, 2015. Collection method: clinical testing. Allele origin: maternal. Inheritance: Autosomal recessive inheritance. Affected: yes.
Comment: Criteria applied: PP4_STR, PM3, PM2_SUP; Identified as compund heterozygous with NM_014489.4:c.146C>T

NM_014489.4(PGAP2):c.737G>T (p.Arg246Leu)

Gene: PGAP2 (post-GPI attachment to proteins 2; plus strand). Cytogenetic location: 11p15.4.
Variant type: single nucleotide variant.
Coding change: c.737G>T on transcript NM_014489.4 (MANE Select); coding-DNA position 737, G replaced by T.
Protein change: p.Arg246Leu; replaces arginine 246 with leucine.
Molecular consequence: missense variant. On other transcripts: synonymous variant (8), non-coding transcript variant (15).
Genome position (GRCh38, 1-based): chr11:3,825,048, G>T. VCF-style: chr11-3825048-G-T. GRCh37 (hg19) VCF-style: chr11-3846278-G-T.
Other names: c.542G>T, p.Arg181Leu (NM_001256239.2, NM_001346400.2, NM_001145438.3); c.554G>T, p.Arg185Leu (NM_001256240.2, NM_001283038.2, NM_001346398.2 and 1 more transcripts); c.477G>T, p.Ala159= (NM_001283039.2); c.297G>T, p.Ala99= (NM_001283040.1); c.707G>T, p.Arg236Leu (NM_001346397.2); c.564G>T, p.Ala188= (NM_001346399.2); c.552G>T, p.Ala184= (NM_001346401.2); c.674G>T, p.Arg225Leu (NM_001346402.2); and 5 more; short protein forms R181L, R185L, R203L, R225L, R236L, R238L, R242L, R246L.
Identifiers: ClinVar variation 2692369 (VCV002692369.2), dbSNP rs745521288, ClinGen allele CA379190383.